The following is an entry in ClinVar:

ClinVar aggregate classification (germline): Likely benign (1 of 4 stars; one submission).

Submission:

CeGaT Center for Human Genetics Tuebingen
Classification: Likely benign. Last evaluated: 2022-12-01. Review status: criteria provided, single submitter. Criteria: CeGaT Center For Human Genetics Tuebingen Variant Classification Criteria Version 2. Collection method: clinical testing. Allele origin: germline. Affected: yes. Observed: 2 variant alleles.
Comment: DNAI7: BS2

NM_018272.5(DNAI7):c.1894-3_1894-2insTTTTTTTTTTTTTTTTTTTTTTTTTTTTTTT

Gene: DNAI7 (dynein axonemal intermediate chain 7; minus strand). Cytogenetic location: 12p12.1.
Variant type: Insertion.
Coding change: c.1894-3_1894-2insTTTTTTTTTTTTTTTTTTTTTTTTTTTTTTT on transcript NM_018272.5 (MANE Select); 3 bases into the intron before coding-DNA position 1894 through the canonical splice acceptor site of the intron before coding-DNA position 1894, TTTTTTTTTTTTTTTTTTTTTTTTTTTTTTT inserted.
Molecular consequence: intron variant.
Genome position: GRCh38: chr12:25,108,839-25,108,840. GRCh37 (hg19): chr12:25,261,773-25,261,774.
Other names: c.1381-3_1381-2insTTTTTTTTTTTTTTTTTTTTTTTTTTTTTTT (NM_001352067.2); c.1699-3_1699-2insTTTTTTTTTTTTTTTTTTTTTTTTTTTTTTT (NM_001204101.3); c.1438-65_1438-64insTTTTTTTTTTTTTTTTTTTTTTTTTTTTTTT (NM_001352068.2); c.1756-3_1756-2insTTTTTTTTTTTTTTTTTTTTTTTTTTTTTTT (NM_001352061.2, NM_001319978.2, NM_001204102.3); c.1540-65_1540-64insTTTTTTTTTTTTTTTTTTTTTTTTTTTTTTT (NM_001319977.2); c.1540-3_1540-2insTTTTTTTTTTTTTTTTTTTTTTTTTTTTTTT (NM_001352065.2); c.1558-3_1558-2insTTTTTTTTTTTTTTTTTTTTTTTTTTTTTTT (NM_001352064.2); c.1876-65_1876-64insTTTTTTTTTTTTTTTTTTTTTTTTTTTTTTT (NM_001352062.2); and 4 more.
Identifiers: ClinVar variation 2642793 (VCV002642793.24), dbSNP rs60370851, ClinGen allele CA945745696.